The following is an entry in ClinVar:

ClinVar aggregate classification (germline): Conflicting classifications of pathogenicity. Review status: criteria provided, conflicting classifications (1 of 4 stars). 4 submissions from 4 submitters: Uncertain significance (1); Likely benign (2). 1 of the submissions does not count toward it. Last evaluated 2025-01-30.

Conditions:
BBS9-related disorder. Also called: BBS9-related condition.
Bardet-Biedl syndrome (BBS). Identifiers: Orphanet 110, MedGen C0752166, MONDO:0015229.
Bardet-Biedl syndrome 9 (BBS9). Identifiers: Orphanet 110, MedGen C1859567, MONDO:0014437, OMIM 615986.

Allele frequency attached by ClinVar (database versions not stated): gnomAD 0.00003 and 0.00004; TOPMed 0.00005; gnomAD exomes 0.00006 and 0.00015; ExAC 0.00007; ESP Exome Variant Server 0.00008.
gnomAD v4.1: 213 of 1,612,196 alleles (0.013%); highest among the groups gnomAD compares: Non-Finnish European, 0.018%; no homozygotes.

Submissions (4):

Labcorp Genetics (formerly Invitae), Labcorp
Classification: Likely benign for Bardet-Biedl syndrome. Last evaluated: 2025-01-30. Review status: criteria provided, single submitter. Criteria: Invitae Variant Classification Sherloc (09022015). Collection method: clinical testing. Allele origin: germline.

Blueprint Genetics
Classification: Likely benign. Last evaluated: 2024-03-13. Review status: criteria provided, single submitter. Criteria: ACMG Guidelines, 2015. Collection method: clinical testing. Allele origin: germline.

Illumina Laboratory Services, Illumina
Classification: Uncertain significance for Bardet-Biedl syndrome 9. Last evaluated: 2018-01-13. Review status: criteria provided, single submitter. Criteria: ICSL Variant Classification Criteria 13 December 2019. Collection method: clinical testing. Allele origin: germline.

PreventionGenetics, part of Exact Sciences
Classification: Likely benign for BBS9-related condition. Last evaluated: 2021-03-04. Review status: no assertion criteria provided. Collection method: clinical testing. Allele origin: germline. Not counted in ClinVar's aggregate classification.
Comment: This variant is classified as likely benign based on ACMG/AMP sequence variant interpretation guidelines (Richards et al. 2015 PMID: 25741868, with internal and published modifications).

NM_198428.3(BBS9):c.1611A>C (p.Pro537=)

Gene: BBS9 (Bardet-Biedl syndrome 9; plus strand). Cytogenetic location: 7p14.3.
Variant type: single nucleotide variant.
Coding change: c.1611A>C on transcript NM_198428.3 (MANE Select); coding-DNA position 1611, A replaced by C.
Protein change: p.Pro537=; no amino-acid change (proline 537 retained).
Molecular consequence: synonymous variant. On other transcripts: non-coding transcript variant (3).
Genome position (GRCh38, 1-based): chr7:33,357,913, A>C. VCF-style: chr7-33357913-A-C. GRCh37 (hg19) VCF-style: chr7-33397525-A-C.
Other names: c.1506A>C, p.Pro502= (NM_001033604.2); c.1596A>C, p.Pro532= (NM_001033605.2); c.1611A>C, p.Pro537= (NM_001348036.1, NM_001348041.4, NM_001348043.3 and 1 more transcripts); c.1245A>C, p.Pro415= (NM_001348037.3, NM_001348045.3, NM_001348046.3); c.1338A>C, p.Pro446= (NM_001348038.3); c.1233A>C, p.Pro411= (NM_001348039.3); c.1491A>C, p.Pro497= (NM_001348040.3, NM_014451.4); c.1476A>C, p.Pro492= (NM_001348042.3); and 1 more.
Identifiers: ClinVar variation 910081 (VCV000910081.15), dbSNP rs140411078, ClinGen allele CA4214445.